The following is an entry in ClinVar:

ClinVar aggregate classification (germline): Likely benign. Review status: criteria provided, multiple submitters, no conflicts (2 of 4 stars). 3 submissions from 3 submitters: Likely benign (3). Last evaluated 2026-05-01.

Allele frequency attached by ClinVar (database versions not stated): ExAC 0.00007; ESP Exome Variant Server 0.00008; gnomAD 0.00011; TOPMed 0.00012; 1000 Genomes Project 0.00020; gnomAD exomes 0.00022; 1000 Genomes Project 30x 0.00031.
gnomAD v4.1: 339 of 1,613,602 alleles (0.021%); highest among the groups gnomAD compares: Non-Finnish European, 0.028%; no homozygotes.

Submissions (3):

Women's Health and Genetics/Laboratory Corporation of America, LabCorp
Classification: Likely benign. Last evaluated: 2026-05-01. Review status: criteria provided, single submitter. Criteria: LabCorp Variant Classification Summary - May 2015. Collection method: clinical testing. Allele origin: germline.
Comment: Variant summary: VPS33B c.97-16A>G alters a nucleotide located at a position not widely known to affect splicing. Consensus agreement among computation tools predict no significant impact on normal splicing. However, these predictions have yet to be confirmed by functional studies. The variant allele was found at a frequency of 7.6e-05 in 251252 control chromosomes. This frequency is not significantly higher than estimated for disease-causing variants in VPS33B, allowing no conclusion about variant significance. To our knowledge, no occurrence of c.97-16A>G in individuals affected with VPS33B-related conditions and no experimental evidence demonstrating its impact on protein function have been reported. ClinVar contains an entry for this variant (Variation ID: 2957335). Based on the evidence outlined above, the variant was classified as likely benign.

Labcorp Genetics (formerly Invitae), Labcorp
Classification: Likely benign. Last evaluated: 2026-01-24. Review status: criteria provided, single submitter. Criteria: Invitae Variant Classification Sherloc (09022015). Collection method: clinical testing. Allele origin: germline.

Blueprint Genetics
Classification: Likely benign. Last evaluated: 2024-07-25. Review status: criteria provided, single submitter. Criteria: ACMG Guidelines, 2015. Collection method: clinical testing. Allele origin: germline.

NM_018668.5(VPS33B):c.97-16A>G

Gene: VPS33B (VPS33B late endosome and lysosome associated; minus strand). Cytogenetic location: 15q26.1.
Variant type: single nucleotide variant.
Coding change: c.97-16A>G on transcript NM_018668.5 (MANE Select); 16 bases into the intron before coding-DNA position 97, A replaced by G.
Molecular consequence: intron variant.
Genome position (GRCh38, 1-based): chr15:91,017,901, T>C on the plus strand (A>G on the coding strand, the complement: VPS33B is on the minus strand). VCF-style: chr15-91017901-T-C. GRCh37 (hg19) VCF-style: chr15-91561131-T-C.
Other names: c.97-877A>G (NM_001289148.1); c.-115-16A>G (NM_001289149.1).
Identifiers: ClinVar variation 2957335 (VCV002957335.5), dbSNP rs191334413, ClinGen allele CA7745223.